The following is an entry in ClinVar:

ClinVar aggregate classification (germline): Uncertain significance (1 of 4 stars; one submission).

Conditions:
Inborn genetic diseases. Identifiers: MedGen C0950123, MeSH D030342.

Submission:

Ambry Genetics
Classification: Uncertain significance for Inborn genetic diseases. Last evaluated: 2025-05-11. Review status: criteria provided, single submitter. Criteria: Ambry Variant Classification Scheme 2023. Collection method: clinical testing. Allele origin: germline.
Comment: The p.S452I variant (also known as c.1355G>T), located in coding exon 11 of the CEP57 gene, results from a G to T substitution at nucleotide position 1355. The serine at codon 452 is replaced by isoleucine, an amino acid with dissimilar properties. This amino acid position is conserved. In addition, this alteration is predicted to be tolerated by in silico analysis. Based on the available evidence, the clinical significance of this variant remains unclear.

NM_014679.5(CEP57):c.1355G>T (p.Ser452Ile)

Gene: CEP57 (centrosomal protein 57; plus strand). Cytogenetic location: 11q21.
Variant type: single nucleotide variant.
Coding change: c.1355G>T on transcript NM_014679.5 (MANE Select); coding-DNA position 1355, G replaced by T.
Protein change: p.Ser452Ile; replaces serine 452 with isoleucine.
Molecular consequence: missense variant.
Genome position (GRCh38, 1-based): chr11:95,831,108, G>T. VCF-style: chr11-95831108-G-T. GRCh37 (hg19) VCF-style: chr11-95564272-G-T.
Other names: c.1328G>T, p.Ser443Ile (NM_001243776.2); c.1277G>T, p.Ser426Ile (NM_001243777.2); c.1274G>T, p.Ser425Ile (NM_001363604.2); short protein forms S452I, S425I, S426I, S443I.
Identifiers: ClinVar variation 4001039 (VCV004001039.1).